The following is an entry in ClinVar:

ClinVar aggregate classification (germline): Uncertain significance (0 of 4 stars; one submission).

Conditions:
SH2B1-related disorder. Also called: SH2B1-related condition.

gnomAD v4.1: 23 of 1,613,774 alleles (0.0014%); highest among the groups gnomAD compares: African/African-American, 0.0027%; no homozygotes.

Submission:

PreventionGenetics, part of Exact Sciences
Classification: Uncertain significance for SH2B1-related condition. Last evaluated: 2024-07-16. Review status: no assertion criteria provided. Collection method: clinical testing. Allele origin: germline.
Comment: The SH2B1 c.539C>T variant is predicted to result in the amino acid substitution p.Ser180Phe. This variant has been reported in an individual with severe obesity; however, this variant was inherited from the individual's father without obesity (Almansoori et al. 2024. PubMed ID: 38297031). This variant is reported in 0.0080% of alleles in individuals of African descent in gnomAD. At this time, the clinical significance of this variant is uncertain due to the absence of conclusive functional and genetic evidence.

NM_001387430.1(SH2B1):c.539C>T (p.Ser180Phe)

Gene: SH2B1 (SH2B adaptor protein 1; plus strand). Cytogenetic location: 16p11.2.
Variant type: single nucleotide variant.
Coding change: c.539C>T on transcript NM_001387430.1 (MANE Select); coding-DNA position 539, C replaced by T.
Protein change: p.Ser180Phe; replaces serine 180 with phenylalanine.
Molecular consequence: missense variant. On other transcripts: intron variant (1).
Genome position (GRCh38, 1-based): chr16:28,866,633, C>T. VCF-style: chr16-28866633-C-T. GRCh37 (hg19) VCF-style: chr16-28877954-C-T.
Other names: c.539C>T, p.Ser180Phe (NM_001145795.2, NM_001145796.2, NM_001145797.2 and 4 more transcripts); c.-26-741C>T (NM_001308294.2); short protein forms S180F.
Identifiers: ClinVar variation 3358809 (VCV003358809.1).